The following is an entry in ClinVar:

ClinVar aggregate classification (germline): Uncertain significance (1 of 4 stars; one submission).

Submission:

Labcorp Genetics (formerly Invitae), Labcorp
Classification: Uncertain significance. Last evaluated: 2024-03-01. Review status: criteria provided, single submitter. Criteria: Invitae Variant Classification Sherloc (09022015). Collection method: clinical testing. Allele origin: germline.
Comment: This sequence change replaces leucine, which is neutral and non-polar, with proline, which is neutral and non-polar, at codon 358 of the PPARG protein (p.Leu358Pro). This variant is not present in population databases (gnomAD no frequency). This missense change has been observed in individual(s) with dyslipidemia (PMID: 32041611). Advanced modeling of protein sequence and biophysical properties (such as structural, functional, and spatial information, amino acid conservation, physicochemical variation, residue mobility, and thermodynamic stability) performed at Invitae indicates that this missense variant is not expected to disrupt PPARG protein function with a negative predictive value of 80%. In summary, the available evidence is currently insufficient to determine the role of this variant in disease. Therefore, it has been classified as a Variant of Uncertain Significance.

Literature cited by the submitters: PubMed 32041611.

NM_138711.6(PPARG):c.983T>C (p.Leu328Pro)

Gene: PPARG (peroxisome proliferator activated receptor gamma; plus strand). Cytogenetic location: 3p25.2.
Variant type: single nucleotide variant.
Coding change: c.983T>C on transcript NM_138711.6 (MANE Select); coding-DNA position 983, T replaced by C.
Protein change: p.Leu328Pro; replaces leucine 328 with proline.
Molecular consequence: missense variant. On other transcripts: intron variant (5).
Genome position (GRCh38, 1-based): chr3:12,416,957, T>C. VCF-style: chr3-12416957-T-C. GRCh37 (hg19) VCF-style: chr3-12458456-T-C.
Other names: c.983T>C, p.Leu328Pro (NM_001354666.3, NM_001354667.3, NM_001374263.2 and 3 more transcripts); c.356T>C, p.Leu119Pro (NM_001354669.2); c.1073T>C, p.Leu358Pro (NM_015869.5); c.729+10876T>C (NM_001374261.3, NM_001374262.3, NM_001330615.4); c.653+10958T>C (NM_001374266.1); c.819+10876T>C (NM_001374265.1); short protein forms L328P, L119P, L358P.
Identifiers: ClinVar variation 2780020 (VCV002780020.3), dbSNP rs2471061861, ClinGen allele CA351619668.
Genomic context (GRCh38, chr3:12,416,957, plus strand): 5'-ACTTGAACGACCAAGTAACTCTCCTCAAATATGGAGTCCACGAGATCATTTACACAATGC[T>C]GGCCTCCTTGATGAATAAAGATGGGGTTCTCATATCCGAGGGCCAAGGCTTCATGACAAG-3'
Protein context (NP_619725.3, residues 318-338): YGVHEIIYTM[Leu328Pro]ASLMNKDGVL